The following is an entry in ClinVar:

NM_001999.4(FBN2):c.*119C>T

Gene: FBN2 (fibrillin 2; minus strand). Cytogenetic location: 5q23.3.
Variant type: single nucleotide variant.
Coding change: c.*119C>T on transcript NM_001999.4 (MANE Select); 119 bases downstream of the stop codon, C replaced by T.
Molecular consequence: 3 prime UTR variant.
Genome position (GRCh38, 1-based): chr5:128,259,336, G>A on the plus strand (C>T on the coding strand, the complement: FBN2 is on the minus strand). VCF-style: chr5-128259336-G-A. GRCh37 (hg19) VCF-style: chr5-127595028-G-A.
Identifiers: ClinVar variation 350753 (VCV000350753.5), dbSNP rs3805618, ClinGen allele CA10622575.
Genomic context (GRCh38, chr5:128,259,336, plus strand): 5'-GCCATACCAGAGTCTAAATTATCCCTCCCTGTGAGGGTCAACATTCAAAGTCTAAGACAG[G>A]GAGGAAAGAAACAAGAGTTATTATTATTTTTCCTCTTTAAAATTAGTCCTTGACTTTTCA-3'

ClinVar aggregate classification (germline): Benign (1 of 4 stars; one submission).

Conditions:
Congenital contractural arachnodactyly (CCA). Also called: BEALS SYNDROME; Beals-Hecht syndrome; Arthrogryposis, distal, type 9. Identifiers: Orphanet 115, MedGen C0220668, MONDO:0007363, OMIM 121050.

Allele frequency attached by ClinVar (database versions not stated): gnomAD exomes 0.00079; gnomAD 0.00095 and 0.00067; TOPMed 0.00145; 1000 Genomes Project 30x 0.00437; 1000 Genomes Project 0.00499.
gnomAD v4.1: 1,021 of 1,280,884 alleles (0.08%); highest among the groups gnomAD compares: East Asian, 2.1%; 9 homozygotes.

Submission:

Illumina Laboratory Services, Illumina
Classification: Benign for Congenital contractural arachnodactyly. Last evaluated: 2018-01-13. Review status: criteria provided, single submitter. Criteria: ICSL Variant Classification Criteria 13 December 2019. Collection method: clinical testing. Allele origin: germline.
Comment: This variant was observed in the ICSL laboratory as part of a predisposition screen in an ostensibly healthy population. It had not been previously curated by ICSL or reported in the Human Gene Mutation Database (HGMD: prior to June 1st, 2018), and was therefore a candidate for classification through an automated scoring system. Utilizing variant allele frequency, disease prevalence and penetrance estimates, and inheritance mode, an automated score was calculated to assess if this variant is too frequent to cause the disease. Based on the score and internal cut-off values, a variant classified as benign is not then subjected to further curation. The score for this variant resulted in a classification of benign for this disease.